The following is an entry in ClinVar:

NM_006445.4(PRPF8):c.2170A>G (p.Ile724Val)

Gene: PRPF8 (pre-mRNA processing factor 8; minus strand). Cytogenetic location: 17p13.3.
Variant type: single nucleotide variant.
Coding change: c.2170A>G on transcript NM_006445.4 (MANE Select); coding-DNA position 2170, A replaced by G.
Protein change: p.Ile724Val; replaces isoleucine 724 with valine.
Molecular consequence: missense variant.
Genome position (GRCh38, 1-based): chr17:1,676,987, T>C on the plus strand (A>G on the coding strand, the complement: PRPF8 is on the minus strand). VCF-style: chr17-1676987-T-C. GRCh37 (hg19) VCF-style: chr17-1580281-T-C.
Other names: short protein forms I724V.
Identifiers: ClinVar variation 1940175 (VCV001940175.6), dbSNP rs1203098107, ClinGen allele CA397554358.

ClinVar aggregate classification (germline): Uncertain significance. Review status: criteria provided, multiple submitters, no conflicts (2 of 4 stars). 2 submissions from 2 submitters: Uncertain significance (2). Last evaluated 2024-10-24.

Allele frequency attached by ClinVar (database versions not stated): gnomAD 0.00001; gnomAD exomes 0.00001; TOPMed 0.00001.
gnomAD v4.1: 9 of 1,613,816 alleles (0.00056%); highest among the groups gnomAD compares: South Asian, 0.0022%; no homozygotes.

Submissions (2):

Labcorp Genetics (formerly Invitae), Labcorp
Classification: Uncertain significance. Last evaluated: 2024-10-24. Review status: criteria provided, single submitter. Criteria: Invitae Variant Classification Sherloc (09022015). Collection method: clinical testing. Allele origin: germline.
Comment: This sequence change replaces isoleucine, which is neutral and non-polar, with valine, which is neutral and non-polar, at codon 724 of the PRPF8 protein (p.Ile724Val). This variant is present in population databases (no rsID available, gnomAD 0.007%). This variant has not been reported in the literature in individuals affected with PRPF8-related conditions. ClinVar contains an entry for this variant (Variation ID: 1940175). Invitae Evidence Modeling of protein sequence and biophysical properties (such as structural, functional, and spatial information, amino acid conservation, physicochemical variation, residue mobility, and thermodynamic stability) indicates that this missense variant is not expected to disrupt PRPF8 protein function with a negative predictive value of 80%. In summary, the available evidence is currently insufficient to determine the role of this variant in disease. Therefore, it has been classified as a Variant of Uncertain Significance.

Blueprint Genetics
Classification: Uncertain significance. Last evaluated: 2020-04-15. Review status: criteria provided, single submitter. Criteria: ACMG Guidelines, 2015. Collection method: clinical testing. Allele origin: germline.